The following is an entry in ClinVar:

NM_001378457.1(DMXL2):c.2161A>G (p.Ile721Val)

Gene: DMXL2 (Dmx like 2; minus strand). Cytogenetic location: 15q21.2.
Variant type: single nucleotide variant.
Coding change: c.2161A>G on transcript NM_001378457.1 (MANE Select); coding-DNA position 2161, A replaced by G.
Protein change: p.Ile721Val; replaces isoleucine 721 with valine.
Molecular consequence: missense variant. On other transcripts: non-coding transcript variant (2).
Genome position (GRCh38, 1-based): chr15:51,536,319, T>C on the plus strand (A>G on the coding strand, the complement: DMXL2 is on the minus strand). VCF-style: chr15-51536319-T-C. GRCh37 (hg19) VCF-style: chr15-51828516-T-C.
Other names: c.2161A>G, p.Ile721Val (NM_001174116.3, NM_001174117.3, NM_001378458.1 and 6 more transcripts); c.1921A>G, p.Ile641Val (NM_001378464.1); short protein forms I641V, I721V.
Identifiers: ClinVar variation 1800752 (VCV001800752.1), dbSNP rs1362531644, ClinGen allele CA392442634.

ClinVar aggregate classification (germline): Uncertain significance (1 of 4 stars; one submission).

Allele frequency attached by ClinVar (database versions not stated): gnomAD 0.00001; TOPMed 0.00001; gnomAD exomes 0.00002.
gnomAD v4.1: 29 of 1,613,952 alleles (0.0018%); highest among the groups gnomAD compares: Non-Finnish European, 0.0019%; no homozygotes.

Submission:

GeneDx
Classification: Uncertain significance. Last evaluated: 2022-05-20. Review status: criteria provided, single submitter. Criteria: GeneDx Variant Classification Process June 2021. Collection method: clinical testing. Allele origin: germline. Affected: yes.
Comment: Not observed at significant frequency in large population cohorts (gnomAD); In silico analysis supports that this missense variant does not alter protein structure/function; Has not been previously published as pathogenic or benign to our knowledge